The following is an entry in ClinVar:

NM_006947.4(SRP72):c.1679-9G>A

Gene: SRP72 (signal recognition particle 72; plus strand). Cytogenetic location: 4q12.
Variant type: single nucleotide variant.
Coding change: c.1679-9G>A on transcript NM_006947.4 (MANE Select); 9 bases into the intron before coding-DNA position 1679, G replaced by A.
Molecular consequence: intron variant.
Genome position (GRCh38, 1-based): chr4:56,500,527, G>A. VCF-style: chr4-56500527-G-A. GRCh37 (hg19) VCF-style: chr4-57366693-G-A.
Other names: c.1496-9G>A (NM_001267722.2); c.1679-9G>A (NM_006947.3).
Identifiers: ClinVar variation 1460872 (VCV001460872.11), dbSNP rs182243599, ClinGen allele CA2931461.
Genomic context (GRCh38, chr4:56,500,527, plus strand): 5'-ACATCGTTTAAACAAACTATCTTGAAAATATTATGACACATCTCTCATTTCTTTATAATC[G>A]TTATGCAGGAAAATTGCCTAAGAATTATGACCCAAAAGTTACCCCAGATCCAGAAAGATG-3'

ClinVar aggregate classification (germline): Likely benign. Review status: criteria provided, multiple submitters, no conflicts (2 of 4 stars). 3 submissions from 3 submitters: Likely benign (2). 1 of the submissions does not count toward it. Last evaluated 2026-01-24.

Conditions:
SRP72-related disorder. Also called: SRP72-related condition.

Allele frequency attached by ClinVar (database versions not stated): ExAC 0.00002; gnomAD exomes 0.00002 and 0.00005; TOPMed 0.00004; gnomAD 0.00005 and 0.00006; 1000 Genomes Project 30x 0.00016; 1000 Genomes Project 0.00020.
gnomAD v4.1: 89 of 1,610,060 alleles (0.0055%); highest among the groups gnomAD compares: African/African-American, 0.0067%; no homozygotes.

Submissions (3):

Labcorp Genetics (formerly Invitae), Labcorp
Classification: Likely benign. Last evaluated: 2026-01-24. Review status: criteria provided, single submitter. Criteria: Invitae Variant Classification Sherloc (09022015). Collection method: clinical testing. Allele origin: germline.

Blueprint Genetics
Classification: Likely benign. Last evaluated: 2022-10-17. Review status: criteria provided, single submitter. Criteria: ACMG Guidelines, 2015. Collection method: clinical testing. Allele origin: germline.

PreventionGenetics, part of Exact Sciences
Classification: Likely benign for SRP72-related condition. Last evaluated: 2022-07-26. Review status: no assertion criteria provided. Collection method: clinical testing. Allele origin: germline. Not counted in ClinVar's aggregate classification.
Comment: This variant is classified as likely benign based on ACMG/AMP sequence variant interpretation guidelines (Richards et al. 2015 PMID: 25741868, with internal and published modifications).